The following is an entry in ClinVar:

NM_003579.4(RAD54L):c.2047C>T (p.Arg683Cys)

Genes: LRRC41 (leucine rich repeat containing 41; minus strand), RAD54L (RAD54 like; plus strand). Cytogenetic location: 1p34.1.
Variant type: single nucleotide variant.
Coding change: c.2047C>T on transcript NM_003579.4 (MANE Select); coding-DNA position 2047, C replaced by T.
Protein change: p.Arg683Cys; replaces arginine 683 with cysteine.
Molecular consequence: missense variant. On other transcripts: 3 prime UTR variant (1).
Genome position (GRCh38, 1-based): chr1:46,278,085, C>T. VCF-style: chr1-46278085-C-T. GRCh37 (hg19) VCF-style: chr1-46743757-C-T.
Other names: c.*780G>A (NM_006369.5); c.2047C>T, p.Arg683Cys (NM_001142548.2); c.1507C>T, p.Arg503Cys (NM_001370766.1); short protein forms R683C, R503C.
Identifiers: ClinVar variation 2463264 (VCV002463264.2), dbSNP rs774695182, ClinGen allele CA834800.

ClinVar aggregate classification (germline): Uncertain significance (1 of 4 stars; one submission).

Allele frequency attached by ClinVar (database versions not stated): ExAC 0.00002; gnomAD 0.00002; gnomAD exomes 0.00002; TOPMed 0.00003.
gnomAD v4.1: 36 of 1,613,968 alleles (0.0022%); highest among the groups gnomAD compares: East Asian, 0.013%; no homozygotes.

Submission:

Ambry Genetics
Classification: Uncertain significance. Last evaluated: 2022-12-23. Review status: criteria provided, single submitter. Criteria: Ambry Variant Classification Scheme 2023. Collection method: clinical testing. Allele origin: germline.
Comment: The p.R683C variant (also known as c.2047C>T), located in coding exon 18 of the RAD54L gene, results from a C to T substitution at nucleotide position 2047. The arginine at codon 683 is replaced by cysteine, an amino acid with highly dissimilar properties. This amino acid position is conserved. In addition, this alteration is predicted to be deleterious by in silico analysis. Since supporting evidence is limited at this time, the clinical significance of this alteration remains unclear.